The following is an entry in ClinVar:

NM_020433.5(JPH2):c.2010+89G>A

Gene: JPH2 (junctophilin 2; minus strand). Cytogenetic location: 20q13.12.
Variant type: single nucleotide variant.
Coding change: c.2010+89G>A on transcript NM_020433.5 (MANE Select); 89 bases into the intron after coding-DNA position 2010, G replaced by A.
Molecular consequence: intron variant.
Genome position (GRCh38, 1-based): chr20:44,115,576, C>T on the plus strand (G>A on the coding strand, the complement: JPH2 is on the minus strand). VCF-style: chr20-44115576-C-T. GRCh37 (hg19) VCF-style: chr20-42744216-C-T.
Identifiers: ClinVar variation 675350 (VCV000675350.1), dbSNP rs117011960, ClinGen allele CA314642276.

ClinVar aggregate classification (germline): Likely benign (1 of 4 stars; one submission).

Allele frequency attached by ClinVar (database versions not stated): 1000 Genomes Project 30x 0.00578; 1000 Genomes Project 0.00579; gnomAD 0.01045 and 0.01070; TOPMed 0.01082; gnomAD exomes 0.01567.
gnomAD v4.1: 23,526 of 1,561,716 alleles (1.5%); highest among the groups gnomAD compares: Non-Finnish European, 1.8%; 220 homozygotes.

Submission:

GeneDx
Classification: Likely benign. Last evaluated: 2018-06-16. Review status: criteria provided, single submitter. Criteria: GeneDx Variant Classification (06012015). Collection method: clinical testing. Allele origin: germline. Affected: yes.
Comment: This variant is considered likely benign or benign based on one or more of the following criteria: it is a conservative change, it occurs at a poorly conserved position in the protein, it is predicted to be benign by multiple in silico algorithms, and/or has population frequency not consistent with disease.